The following is an entry in ClinVar:

NM_003190.5(TAPBP):c.1026G>A (p.Lys342=)

Gene: TAPBP (TAP binding protein; minus strand). Cytogenetic location: 6p21.32.
Variant type: single nucleotide variant.
Coding change: c.1026G>A on transcript NM_003190.5 (MANE Select); coding-DNA position 1026, G replaced by A.
Protein change: p.Lys342=; no amino-acid change (lysine 342 retained).
Molecular consequence: synonymous variant.
Genome position (GRCh38, 1-based): chr6:33,304,481, C>T on the plus strand (G>A on the coding strand, the complement: TAPBP is on the minus strand). VCF-style: chr6-33304481-C-T. GRCh37 (hg19) VCF-style: chr6-33272258-C-T.
Other names: c.1026G>A, p.Lys342= (NM_172208.3); c.765G>A, p.Lys255= (NM_172209.3).
Identifiers: ClinVar variation 766559 (VCV000766559.12), dbSNP rs201074090, ClinGen allele CA3755738.

ClinVar aggregate classification (germline): Likely benign. Review status: criteria provided, single submitter (1 of 4 stars). 2 submissions from 2 submitters: Likely benign (1). 1 of the submissions does not count toward it. Last evaluated 2025-12-24.

Conditions:
MHC class I deficiency. Identifiers: Orphanet 34592, MedGen C6024714, MONDO:0011476.
TAPBP-related disorder. Also called: TAPBP-related condition.

Allele frequency attached by ClinVar (database versions not stated): ExAC 0.00003; gnomAD exomes 0.00004 and 0.00008; TOPMed 0.00005; gnomAD 0.00006.
gnomAD v4.1: 121 of 1,612,894 alleles (0.0075%); highest among the groups gnomAD compares: Non-Finnish European, 0.01%; no homozygotes.

Submissions (2):

Labcorp Genetics (formerly Invitae), Labcorp
Classification: Likely benign for MHC class I deficiency 1. Last evaluated: 2025-12-24. Review status: criteria provided, single submitter. Criteria: Invitae Variant Classification Sherloc (09022015). Collection method: clinical testing. Allele origin: germline.

PreventionGenetics, part of Exact Sciences
Classification: Likely benign for TAPBP-related condition. Last evaluated: 2019-06-11. Review status: no assertion criteria provided. Collection method: clinical testing. Allele origin: germline. Not counted in ClinVar's aggregate classification.
Comment: This variant is classified as likely benign based on ACMG/AMP sequence variant interpretation guidelines (Richards et al. 2015 PMID: 25741868, with internal and published modifications).